The following is an entry in ClinVar:

ClinVar aggregate classification (germline): Uncertain significance (1 of 4 stars; one submission).

Conditions:
Granulomatous disease, chronic, autosomal recessive, cytochrome b-positive, type 2. Also called: GRANULOMATOUS DISEASE, CHRONIC, AUTOSOMAL RECESSIVE, 2; Chronic granulomatous disease due to deficiency of NCF-2; Chronic Granulomatous Disease, Autosomal Recessive, Cytochrome b-Positive, Type II; GRANULOMATOUS DISEASE, CHRONIC, DUE TO NCF2 DEFICIENCY; CGD, AUTOSOMAL RECESSIVE CYTOCHROME b-POSITIVE, TYPE II. Identifiers: Orphanet 379, MedGen C1856245, MONDO:0009310, OMIM 233710.

Submission:

Labcorp Genetics (formerly Invitae), Labcorp
Classification: Uncertain significance for Granulomatous disease, chronic, autosomal recessive, cytochrome b-positive, type 2. Last evaluated: 2019-12-30. Review status: criteria provided, single submitter. Criteria: Invitae Variant Classification Sherloc (09022015). Collection method: clinical testing. Allele origin: germline.
Comment: This sequence change replaces isoleucine with valine at codon 107 of the NCF2 protein (p.Ile107Val). The isoleucine residue is highly conserved and there is a small physicochemical difference between isoleucine and valine. This variant is not present in population databases (ExAC no frequency). This variant has not been reported in the literature in individuals with NCF2-related conditions. Algorithms developed to predict the effect of missense changes on protein structure and function (SIFT, PolyPhen-2, Align-GVGD) all suggest that this variant is likely to be tolerated, but these predictions have not been confirmed by published functional studies and their clinical significance is uncertain. Algorithms developed to predict the effect of sequence changes on RNA splicing suggest that this variant may create or strengthen a splice site, but this prediction has not been confirmed by published transcriptional studies. In summary, the available evidence is currently insufficient to determine the role of this variant in disease. Therefore, it has been classified as a Variant of Uncertain Significance.

NM_000433.4(NCF2):c.319A>G (p.Ile107Val)

Gene: NCF2 (neutrophil cytosolic factor 2; minus strand). Cytogenetic location: 1q25.3.
Variant type: single nucleotide variant.
Coding change: c.319A>G on transcript NM_000433.4 (MANE Select); coding-DNA position 319, A replaced by G.
Protein change: p.Ile107Val; replaces isoleucine 107 with valine.
Molecular consequence: missense variant.
Genome position (GRCh38, 1-based): chr1:183,577,646, T>C on the plus strand (A>G on the coding strand, the complement: NCF2 is on the minus strand). VCF-style: chr1-183577646-T-C. GRCh37 (hg19) VCF-style: chr1-183546781-T-C.
Other names: c.319A>G, p.Ile107Val (NM_001127651.3, NM_001190789.2, NM_001190794.2); short protein forms I107V.
Identifiers: ClinVar variation 843519 (VCV000843519.11), dbSNP rs1672856679, ClinGen allele CA343679177.